The following is an entry in ClinVar:

ClinVar aggregate classification (germline): Uncertain significance (1 of 4 stars; one submission).

Conditions:
Congenital myasthenic syndrome 17. Identifiers: Orphanet 590, MedGen C4225377, MONDO:0014578, OMIM 616304.
Sclerosteosis 2 (SOST2). Identifiers: Orphanet 3152, MedGen C3280402, MONDO:0013679, OMIM 614305.
Cenani-Lenz syndactyly syndrome. Also called: CENANI SYNDACTYLISM; SYNDACTYLY, TYPE VII. Identifiers: Orphanet 3258, MedGen C1859309, MONDO:0008931, OMIM 212780.

Allele frequency attached by ClinVar (database versions not stated): gnomAD exomes below 0.00001.
gnomAD v4.1: 2 of 1,614,040 alleles (0.00012%); highest among the groups gnomAD compares: East Asian, 0.0045%; no homozygotes.

Submission:

Labcorp Genetics (formerly Invitae), Labcorp
Classification: Uncertain significance for Cenani-Lenz syndactyly syndrome; Sclerosteosis 2; Congenital myasthenic syndrome 17. Last evaluated: 2021-06-01. Review status: criteria provided, single submitter. Criteria: Invitae Variant Classification Sherloc (09022015). Collection method: clinical testing. Allele origin: germline.
Comment: This sequence change replaces asparagine with serine at codon 844 of the LRP4 protein (p.Asn844Ser). The asparagine residue is highly conserved and there is a small physicochemical difference between asparagine and serine. This variant is not present in population databases (ExAC no frequency). This variant has not been reported in the literature in individuals with LRP4-related conditions. Algorithms developed to predict the effect of missense changes on protein structure and function (SIFT, PolyPhen-2, Align-GVGD) all suggest that this variant is likely to be disruptive, but these predictions have not been confirmed by published functional studies and their clinical significance is uncertain. In summary, the available evidence is currently insufficient to determine the role of this variant in disease. Therefore, it has been classified as a Variant of Uncertain Significance.

NM_002334.4(LRP4):c.2531A>G (p.Asn844Ser)

Gene: LRP4 (LDL receptor related protein 4; minus strand). Cytogenetic location: 11p11.2.
Variant type: single nucleotide variant.
Coding change: c.2531A>G on transcript NM_002334.4 (MANE Select); coding-DNA position 2531, A replaced by G.
Protein change: p.Asn844Ser; replaces asparagine 844 with serine.
Molecular consequence: missense variant.
Genome position (GRCh38, 1-based): chr11:46,883,952, T>C on the plus strand (A>G on the coding strand, the complement: LRP4 is on the minus strand). VCF-style: chr11-46883952-T-C. GRCh37 (hg19) VCF-style: chr11-46905503-T-C.
Other names: short protein forms N844S.
Identifiers: ClinVar variation 1447365 (VCV001447365.8), dbSNP rs2134821602, ClinGen allele CA380279529.